The following is an entry in ClinVar:

NM_000426.4(LAMA2):c.1102A>G (p.Ile368Val)

Gene: LAMA2 (laminin subunit alpha 2; plus strand). Cytogenetic location: 6q22.33.
Variant type: single nucleotide variant.
Coding change: c.1102A>G on transcript NM_000426.4 (MANE Select); coding-DNA position 1102, A replaced by G.
Protein change: p.Ile368Val; replaces isoleucine 368 with valine.
Molecular consequence: missense variant.
Genome position (GRCh38, 1-based): chr6:129,154,579, A>G. VCF-style: chr6-129154579-A-G. GRCh37 (hg19) VCF-style: chr6-129475724-A-G.
Other names: p.Ile368Val; c.1102A>G, p.Ile368Val (NM_001079823.2); short protein forms I368V.
Identifiers: ClinVar variation 3379709 (VCV003379709.1).

ClinVar aggregate classification (germline): Uncertain significance (1 of 4 stars; one submission).

gnomAD v4.1: 1 of 1,613,734 alleles (0.000062%); highest among the groups gnomAD compares: African/African-American, 0.0013%; no homozygotes.

Submission:

Mayo Clinic Laboratories, Mayo Clinic
Classification: Uncertain significance. Last evaluated: 2024-04-24. Review status: criteria provided, single submitter. Criteria: ACMG Guidelines, 2015. Collection method: clinical testing. Allele origin: germline. Observed: 1 variant allele.
Comment: BP4, PM2_moderate